The following is an entry in ClinVar:

ClinVar aggregate classification (germline): Uncertain significance (1 of 4 stars; one submission).

Conditions:
Perlman syndrome (PRLMNS). Identifiers: Orphanet 2849, MedGen C0796113, MONDO:0009965, OMIM 267000.

Submission:

Labcorp Genetics (formerly Invitae), Labcorp
Classification: Uncertain significance for Perlman syndrome. Last evaluated: 2021-04-04. Review status: criteria provided, single submitter. Criteria: Invitae Variant Classification Sherloc (09022015). Collection method: clinical testing. Allele origin: germline.
Comment: In summary, the available evidence is currently insufficient to determine the role of this variant in disease. Therefore, it has been classified as a Variant of Uncertain Significance. Algorithms developed to predict the effect of missense changes on protein structure and function are either unavailable or do not agree on the potential impact of this missense change (SIFT: "Tolerated"; PolyPhen-2: "Probably Damaging"; Align-GVGD: "Class C0"). This variant has not been reported in the literature in individuals with DIS3L2-related conditions. This variant is not present in population databases (ExAC no frequency). This sequence change replaces proline with serine at codon 270 of the DIS3L2 protein (p.Pro270Ser). The proline residue is moderately conserved and there is a moderate physicochemical difference between proline and serine.

NM_152383.5(DIS3L2):c.808C>T (p.Pro270Ser)

Gene: DIS3L2 (DIS3 like 3'-5' exoribonuclease 2; plus strand). Cytogenetic location: 2q37.1.
Variant type: single nucleotide variant.
Coding change: c.808C>T on transcript NM_152383.5 (MANE Select); coding-DNA position 808, C replaced by T.
Protein change: p.Pro270Ser; replaces proline 270 with serine.
Molecular consequence: missense variant. On other transcripts: non-coding transcript variant (1).
Genome position (GRCh38, 1-based): chr2:232,136,577, C>T. VCF-style: chr2-232136577-C-T. GRCh37 (hg19) VCF-style: chr2-233001287-C-T.
Other names: c.808C>T, p.Pro270Ser (NM_001257281.2); short protein forms P270S.
Identifiers: ClinVar variation 1496274 (VCV001496274.8), dbSNP rs2106355435, ClinGen allele CA351153636.
Genomic context (GRCh38, chr2:232,136,577, plus strand): 5'-TTCCTCAAACTCTTGGCTGATAAGAACAGCGAACTGTTTAGGAAATACGCCCTGTTTTCT[C>T]CCTCAGACCACCGAGTGCCTAGAATTTATGTGCCTCTCAAGGACTGTCCCCAGGACTTTG-3'
Protein context (NP_689596.4, residues 260-280): ELFRKYALFS[Pro270Ser]SDHRVPRIYV